The following continues an entry in ClinVar:

NM_000179.3(MSH6):c.728G>A (p.Arg243His)

Gene: MSH6. ClinVar aggregate classification (germline): Conflicting classifications of pathogenicity. Uncertain significance (11); Benign (1); Likely benign (1).

Submissions 10 to 13 of 13:

Women's Health and Genetics/Laboratory Corporation of America, LabCorp
Classification: Uncertain significance. Last evaluated: 2023-04-07. Review status: criteria provided, single submitter. Criteria: LabCorp Variant Classification Summary - May 2015. Collection method: clinical testing. Allele origin: germline.
Comment: Variant summary: MSH6 c.728G>A (p.Arg243His) results in a non-conservative amino acid change in the encoded protein sequence. Four of five in-silico tools predict a benign effect of the variant on protein function. The variant allele was found at a frequency of 1.6e-05 in 252042 control chromosomes (gnomAD, Ackay_2021). The available data on variant occurrences in the general population are insufficient to allow any conclusion about variant significance. c.728G>A has been reported in the literature in individuals affected with Prostate Cancer (Brady_2022), Ovarian Cancer (Lu_2015), and Breast Cancer (Dorling_2021) without evidence for causality. These reports do not provide unequivocal conclusions about association of the variant with Prostate Cancer. To our knowledge, no experimental evidence demonstrating an impact on protein function has been reported. Six ClinVar submitters have assessed the variant since 2014: one classified the variant as benign and five as uncertain significance. Based on the evidence outlined above, the variant was classified as uncertain significance.

GeneDx
Classification: Uncertain significance. Last evaluated: 2023-03-07. Review status: criteria provided, single submitter. Criteria: GeneDx Variant Classification Process June 2021. Collection method: clinical testing. Allele origin: germline. Affected: yes.
Comment: Not observed at significant frequency in large population cohorts (gnomAD); In silico analysis supports that this missense variant does not alter protein structure/function; Reported in individuals with ovarian or other cancer (Lu et al., 2015; Mandelker et al., 2017); This variant is associated with the following publications: (PMID: 28912153, 23621914, 26689913, 28002797, 28706299, 21437237, 32566746, 28873162)

St. Jude Molecular Pathology, St. Jude Children's Research Hospital
Classification: Uncertain significance for Lynch syndrome. Last evaluated: 2020-10-15. Review status: criteria provided, single submitter. Criteria: St. Jude Assertion Criteria 2020. Collection method: clinical testing. Allele origin: germline.
Comment: The MSH6 c.728G>A (p.Arg243His) missense change has a maximal subpopulation frequency of 0.0062% in gnomAD v2.1.1 (PM2_Supporting). Five of seven in silico tools predict a benign effect of this variant on protein function (BP4), but these predictions have not been confirmed by functional studies. This variant has been reported in an individual with colorectal cancer (PMID: 29245953). It has also been reported somatically in a case of hypermutated pediatric glioblastoma (PMID: 28912153). In summary, this variant meets criteria to be classified as of uncertain significance based on the ACMG/AMP criteria: PM2_Supporting, BP4.

Cancer Genomics Group, Japanese Foundation For Cancer Research
Classification: Uncertain significance for Hereditary breast and ovarian cancer syndrome. Last evaluated: 2019-05-01. Review status: criteria provided, single submitter. Criteria: ACMG Guidelines, 2015. Collection method: research. Allele origin: germline. Affected: yes.

Literature cited by the submitters: PubMed 26689913 (cited by 5 submitters); PubMed 32658311 (cited by 3 submitters); PubMed 28873162 (cited by 3 submitters); PubMed 29245953 (cited by 3 submitters); PubMed 32980694 (cited by 3 submitters); PubMed 27363726 (cited by Myriad Genetics, Inc.); PubMed 35467778 (cited by Quest Diagnostics Nichols Institute San Juan Capistrano and Women's Health and Genetics/Laboratory Corporation of America, LabCorp); PubMed 33471991 (cited by Quest Diagnostics Nichols Institute San Juan Capistrano and Women's Health and Genetics/Laboratory Corporation of America, LabCorp); PubMed 35534704 (cited by Quest Diagnostics Nichols Institute San Juan Capistrano); PubMed 36243179 (cited by Quest Diagnostics Nichols Institute San Juan Capistrano).